The following is an entry in ClinVar:

ClinVar aggregate classification (germline): Likely pathogenic (1 of 4 stars; one submission).

Conditions:
Nicolaides-Baraitser syndrome (NCBRS). Also called: SMARCA2-Related Nicolaides-Baraitser Syndrome; Intellectual disability-sparse hair-brachydactyly syndrome. Identifiers: Orphanet 3051, MedGen C1303073, MONDO:0011053, OMIM 601358.

Submission:

Victorian Clinical Genetics Services, Murdoch Childrens Research Institute
Classification: Likely pathogenic for Nicolaides-Baraitser syndrome. Last evaluated: 2024-10-11. Review status: criteria provided, single submitter. Criteria: ACMG Guidelines, 2015. Collection method: clinical testing. Allele origin: germline. Inheritance: Autosomal dominant inheritance. Affected: yes.
Comment: Based on the classification scheme VCGS_Germline_v1.3.5, this variant is classified as Likely pathogenic. Following criteria are met: 0105 - The mechanism of disease for this gene is not clearly established. However, dominant negative is a likely mechanism (PMID: 22366787). (I) 0107 - This gene is associated with autosomal dominant disease. (I) 0200 - Variant is predicted to result in a missense amino acid change from histidine to tyrosine. (I) 0251 - This variant is heterozygous. (I) 0301 - Variant is absent from gnomAD (v2, v3 and v4). (SP) 0502 - Missense variant with conflicting in silico predictions and uninformative conservation. (I) 0603 - Missense variant in a region that is highly intolerant to missense variation (high constraint region in DECIPHER). (SP) 0705 - No comparable missense variants have previous evidence for pathogenicity. (I) 0807 - This variant has no previous evidence of pathogenicity. (I) 0905 - No published segregation evidence has been identified for this variant. (I) 1007 - No published functional evidence has been identified for this variant. (SP) Legend: (SP) - Supporting pathogenic, (I) - Information, (SB) - Supporting benign

Literature cited by the submitters: PubMed 22366787.

NM_003070.5(SMARCA2):c.3451C>T (p.His1151Tyr)

Gene: SMARCA2 (SWI/SNF related BAF chromatin remodeling complex subunit ATPase 2; plus strand). Cytogenetic location: 9p24.3.
Variant type: single nucleotide variant.
Coding change: c.3451C>T on transcript NM_003070.5 (MANE Select); coding-DNA position 3451, C replaced by T.
Protein change: p.His1151Tyr; replaces histidine 1151 with tyrosine.
Molecular consequence: missense variant.
Genome position (GRCh38, 1-based): chr9:2,110,412, C>T. VCF-style: chr9-2110412-C-T. GRCh37 (hg19) VCF-style: chr9-2110412-C-T.
Other names: c.3451C>T, p.His1151Tyr (NM_001289396.2, NM_139045.4); c.3277C>T, p.His1093Tyr (NM_001289397.2); short protein forms H1093Y, H1151Y.
Identifiers: ClinVar variation 3377172 (VCV003377172.1).